The following is an entry in ClinVar:

NM_000245.4(MET):c.3551T>C (p.Phe1184Ser)

Gene: MET (MET proto-oncogene, receptor tyrosine kinase; plus strand). Cytogenetic location: 7q31.2.
Variant type: single nucleotide variant.
Coding change: c.3551T>C on transcript NM_000245.4 (MANE Select); coding-DNA position 3551, T replaced by C.
Protein change: p.Phe1184Ser; replaces phenylalanine 1184 with serine.
Molecular consequence: missense variant.
Genome position (GRCh38, 1-based): chr7:116,782,016, T>C. VCF-style: chr7-116782016-T-C. GRCh37 (hg19) VCF-style: chr7-116422070-T-C.
Other names: c.3605T>C, p.Phe1202Ser (NM_001127500.3); c.2261T>C, p.Phe754Ser (NM_001324402.2); short protein forms F1184S, F1202S, F754S.
Identifiers: ClinVar variation 3872396 (VCV003872396.1).

ClinVar aggregate classification (germline): Uncertain significance (1 of 4 stars; one submission).

Conditions:
Hereditary cancer-predisposing syndrome. Also called: Tumor predisposition; Neoplastic Syndromes, Hereditary; Hereditary Cancer Syndrome; Hereditary neoplastic syndrome. Identifiers: Orphanet 140162, MedGen C0027672, MeSH D009386, MONDO:0015356.

Submission:

Ambry Genetics
Classification: Uncertain significance for Hereditary cancer-predisposing syndrome. Last evaluated: 2025-02-21. Review status: criteria provided, single submitter. Criteria: Ambry Variant Classification Scheme 2023. Collection method: clinical testing. Allele origin: germline.
Comment: The p.F1202S variant (also known as c.3605T>C), located in coding exon 17 of the MET gene, results from a T to C substitution at nucleotide position 3605. The phenylalanine at codon 1202 is replaced by serine, an amino acid with highly dissimilar properties. This amino acid position is conserved. In addition, this alteration is predicted to be deleterious by in silico analysis. Based on the available evidence, the clinical significance of this variant remains unclear.